The following is an entry in ClinVar:

NM_000135.4(FANCA):c.2744C>T (p.Thr915Ile)

Gene: FANCA (FA complementation group A; minus strand). Cytogenetic location: 16q24.3.
Variant type: single nucleotide variant.
Coding change: c.2744C>T on transcript NM_000135.4 (MANE Select); coding-DNA position 2744, C replaced by T.
Protein change: p.Thr915Ile; replaces threonine 915 with isoleucine.
Molecular consequence: missense variant.
Genome position (GRCh38, 1-based): chr16:89,764,924, G>A on the plus strand (C>T on the coding strand, the complement: FANCA is on the minus strand). VCF-style: chr16-89764924-G-A. GRCh37 (hg19) VCF-style: chr16-89831332-G-A.
Other names: c.2744C>T, p.Thr915Ile (NM_001286167.3); short protein forms T915I.
Identifiers: ClinVar variation 4254181 (VCV004254181.1).
Genomic context (GRCh38, chr16:89,764,924, plus strand): 5'-ATGCAGGAGAAGGAACGGTCACCTACGTGAACATCTTCCTCTTTCAACACCTCTCGGAAG[G>A]TTCTGTGTGTCCAGAGAGAGAGGGCAGCTCTCTGCCAGTCTGCAGAAGGAAGGTGCAAGG-3'
Protein context (NP_000126.2, residues 905-925): RAALSLWTHR[Thr915Ile]FREVLKEEDV

ClinVar aggregate classification (germline): Uncertain significance (1 of 4 stars; one submission).

Conditions:
Inborn genetic diseases. Identifiers: MedGen C0950123, MeSH D030342.

Submission:

Ambry Genetics
Classification: Uncertain significance for Inborn genetic diseases. Last evaluated: 2025-07-05. Review status: criteria provided, single submitter. Criteria: Ambry Variant Classification Scheme 2023. Collection method: clinical testing. Allele origin: germline.
Comment: The p.T915I variant (also known as c.2744C>T), located in coding exon 28 of the FANCA gene, results from a C to T substitution at nucleotide position 2744. The threonine at codon 915 is replaced by isoleucine, an amino acid with similar properties. This amino acid position is conserved. In addition, this alteration is predicted to be tolerated by in silico analysis. Based on the available evidence, the clinical significance of this variant remains unclear.